The following is an entry in ClinVar:

ClinVar aggregate classification (germline): Uncertain significance (1 of 4 stars; one submission).

Conditions:
CDON-related disorder. Also called: CDON-related condition.

Submission:

PreventionGenetics, part of Exact Sciences
Classification: Uncertain significance for CDON-related condition. Last evaluated: 2023-07-29. Review status: criteria provided, single submitter. Criteria: ACMG Guidelines, 2015. Collection method: clinical testing. Allele origin: germline.
Comment: The CDON c.3390C>G variant is predicted to result in the amino acid substitution p.Ser1130Arg. To our knowledge, this variant has not been reported in the literature or in a large population database, indicating this variant is rare. At this time, the clinical significance of this variant is uncertain due to the absence of conclusive functional and genetic evidence.

NM_001378964.1(CDON):c.3390C>G (p.Ser1130Arg)

Gene: CDON (cell adhesion associated, oncogene regulated; minus strand). Cytogenetic location: 11q24.2.
Variant type: single nucleotide variant.
Coding change: c.3390C>G on transcript NM_001378964.1 (MANE Select); coding-DNA position 3390, C replaced by G.
Protein change: p.Ser1130Arg; replaces serine 1130 with arginine.
Molecular consequence: missense variant.
Genome position (GRCh38, 1-based): chr11:125,961,965, G>C on the plus strand (C>G on the coding strand, the complement: CDON is on the minus strand). VCF-style: chr11-125961965-G-C. GRCh37 (hg19) VCF-style: chr11-125831860-G-C.
Other names: c.3390C>G, p.Ser1130Arg (NM_001243597.3, NM_016952.6); short protein forms S1130R.
Identifiers: ClinVar variation 2631276 (VCV002631276.1), dbSNP rs1945658448, ClinGen allele CA383213603.